The following is an entry in ClinVar:

Conditions:
Breast-ovarian cancer, familial, susceptibility to, 1 (BROVCA1). Also called: BRCA1 Hereditary Breast and Ovarian Cancer; OVARIAN CANCER, SUSCEPTIBILITY TO. Identifiers: Orphanet 145, MedGen C2676676, MONDO:0011450, OMIM 604370. Disease mechanism: loss of function.

Submission:

Brotman Baty Institute, University of Washington
No classification provided (evidence only). Condition: Breast-ovarian cancer, familial 1. Review status: no classification provided. Collection method: in vitro. Allele origin: not applicable. Functional consequence: functionally_normal.
ClinVar note: "not provided" was previously submitted as the classification for the variant. However, the classification appeared to be based only on an observation of functional data so it was converted to no classification on 2025-07-30.

NM_007294.4(BRCA1):c.5477A>C (p.Gln1826Pro)

Gene: BRCA1 (BRCA1 DNA repair associated; minus strand). Cytogenetic location: 17q21.31.
Variant type: single nucleotide variant.
Coding change: c.5477A>C on transcript NM_007294.4 (MANE Select); coding-DNA position 5477, A replaced by C.
Protein change: p.Gln1826Pro; replaces glutamine 1826 with proline.
Molecular consequence: missense variant. On other transcripts: synonymous variant (17).
Genome position (GRCh38, 1-based): chr17:43,045,793, T>G on the plus strand (A>C on the coding strand, the complement: BRCA1 is on the minus strand). VCF-style: chr17-43045793-T-G. GRCh37 (hg19) VCF-style: chr17-41197810-T-G.
Other names: c.5264A>C, p.Gln1755Pro (NM_001407571.1, NM_001407908.1, NM_001407909.1 and 12 more transcripts); c.5543A>C, p.Gln1848Pro (NM_001407581.1, NM_001407582.1); c.5540A>C, p.Gln1847Pro (NM_001407583.1, NM_001407585.1, NM_001407587.1 and 1 more transcripts); c.5537A>C, p.Gln1846Pro (NM_001407590.1, NM_001407591.1); c.5477A>C, p.Gln1826Pro (NM_001407593.1, NM_001407594.1, NM_001407596.1 and 5 more transcripts); c.5474A>C, p.Gln1825Pro (NM_001407610.1, NM_001407611.1, NM_001407612.1 and 14 more transcripts); c.5471A>C, p.Gln1824Pro (NM_001407627.1, NM_001407628.1, NM_001407629.1 and 13 more transcripts); c.5468A>C, p.Gln1823Pro (NM_001407644.1, NM_001407645.1); and 83 more; short protein forms Q1779P, Q1826P, Q1847P, Q722P, Q1530P, Q1657P, Q1715P, Q1737P.
Identifiers: ClinVar variation 868970 (VCV000868970.3), dbSNP rs730881499, ClinGen allele CA10590372.